The following is an entry in ClinVar:

ClinVar aggregate classification (germline): Conflicting classifications of pathogenicity. Review status: criteria provided, conflicting classifications (1 of 4 stars). 3 submissions from 3 submitters: Uncertain significance (2); Likely benign (1). Last evaluated 2025-05-19.

Conditions:
Inborn genetic diseases. Identifiers: MedGen C0950123, MeSH D030342.
Cobalamin C disease. Also called: methylmalonic aciduria and homocystinuria type cblC; Methylmalonic aciduria with homocystinuria cblC type; Methylmalonic aciduria and homocystinuria, Vitamin B12-responsive; Vitamin B12 metabolic defect with combined deficiency of methylmalonyl-CoA mutase and homocysteine:methyltetrahydrofolate methyltransferase; Cobalamin-C methylmalonic acidemia and homocystinuria; Methylmalonic acidemia and homocystinuria cblC type. Identifiers: Orphanet 26, Orphanet 79282, MedGen C1848561, MONDO:0010184, OMIM 277400.

Allele frequency attached by ClinVar (database versions not stated): gnomAD exomes 0.00003; TOPMed 0.00005; ExAC 0.00006; gnomAD 0.00007; ESP Exome Variant Server 0.00017; 1000 Genomes Project 0.00020.
gnomAD v4.1: 60 of 1,611,296 alleles (0.0037%); highest among the groups gnomAD compares: African/African-American, 0.024%; no homozygotes.

Submissions (3):

Ambry Genetics
Classification: Likely benign for Inborn genetic diseases. Last evaluated: 2025-05-19. Review status: criteria provided, single submitter. Criteria: Ambry Variant Classification Scheme 2023. Collection method: clinical testing. Allele origin: germline.

Fulgent Genetics
Classification: Uncertain significance for Cobalamin C disease. Last evaluated: 2024-01-30. Review status: criteria provided, single submitter. Criteria: ACMG Guidelines, 2015. Collection method: clinical testing. Allele origin: germline.

GeneDx
Classification: Uncertain significance. Last evaluated: 2022-05-02. Review status: criteria provided, single submitter. Criteria: GeneDx Variant Classification Process June 2021. Collection method: clinical testing. Allele origin: germline. Affected: yes.
Comment: In silico analysis supports that this missense variant does not alter protein structure/function; Has not been previously published as pathogenic or benign to our knowledge

NM_015506.3(MMACHC):c.766G>A (p.Ala256Thr)

Gene: MMACHC (metabolism of cobalamin associated C; plus strand). Cytogenetic location: 1p34.1.
Variant type: single nucleotide variant.
Coding change: c.766G>A on transcript NM_015506.3 (MANE Select); coding-DNA position 766, G replaced by A.
Protein change: p.Ala256Thr; replaces alanine 256 with threonine.
Molecular consequence: missense variant.
Genome position (GRCh38, 1-based): chr1:45,509,132, G>A. VCF-style: chr1-45509132-G-A. GRCh37 (hg19) VCF-style: chr1-45974804-G-A.
Other names: c.595G>A, p.Ala199Thr (NM_001330540.2); short protein forms A199T, A256T.
Identifiers: ClinVar variation 1722884 (VCV001722884.4), dbSNP rs187494806, ClinGen allele CA827857.